The following is an entry in ClinVar:

NM_001370259.2(MEN1):c.784-3T>G

Gene: MEN1 (menin 1; minus strand). Cytogenetic location: 11q13.1.
Variant type: single nucleotide variant.
Coding change: c.784-3T>G on transcript NM_001370259.2 (MANE Select); 3 bases into the intron before coding-DNA position 784, T replaced by G.
Molecular consequence: intron variant.
Genome position (GRCh38, 1-based): chr11:64,807,222, A>C on the plus strand (T>G on the coding strand, the complement: MEN1 is on the minus strand). VCF-style: chr11-64807222-A-C. GRCh37 (hg19) VCF-style: chr11-64574694-A-C.
Other names: NC_000011.9:g.64574694A>C; c.799-3T>G (NM_130804.3, NM_130803.3, NM_000244.4 and 5 more transcripts); c.679-3T>G (NM_001407148.1, NM_001407149.1, NM_001407151.1 and 2 more transcripts); c.784-3T>G (NM_130799.3, NM_001407144.1, NM_001370260.2 and 7 more transcripts).
Identifiers: ClinVar variation 4374120 (VCV004374120.2).

ClinVar aggregate classification (germline): Uncertain significance (1 of 4 stars; one submission).

Conditions:
Multiple endocrine neoplasia, type 1 (MEN1). Also called: MEA I; MEN I; WERMER SYNDROME; Endocrine adenomatosis multiple; MEN 1. Identifiers: Orphanet 652, MedGen C0025267, MeSH D018761, MONDO:0007540, OMIM 131100.

Submissions (2):

UAEU Genomics Laboratory, United Arab Emirates University
Classification: Uncertain significance for Multiple endocrine neoplasia, type 1. Last evaluated: 2024-03-26. Review status: criteria provided, single submitter. Criteria: ACMG Guidelines, 2015. Collection method: research. Allele origin: unknown. Affected: yes. Observed: 1 variant allele.
Comment: PM2, PP3

Dr. Peter K. Rogan Lab, Western University
No classification provided (evidence only). Condition: Adrenocortical carcinoma, hereditary. Review status: no classification provided. Collection method: in vitro. Allele origin: not applicable. Functional consequence: retained intron. Not counted in ClinVar's aggregate classification.